The following is an entry in ClinVar:

NM_001042492.3(NF1):c.4342A>C (p.Ser1448Arg)

Gene: NF1 (neurofibromin 1; plus strand). Cytogenetic location: 17q11.2.
Variant type: single nucleotide variant.
Coding change: c.4342A>C on transcript NM_001042492.3 (MANE Select); coding-DNA position 4342, A replaced by C.
Protein change: p.Ser1448Arg; replaces serine 1448 with arginine.
Molecular consequence: missense variant.
Genome position (GRCh38, 1-based): chr17:31,259,041, A>C. VCF-style: chr17-31259041-A-C. GRCh37 (hg19) VCF-style: chr17-29586059-A-C.
Other names: c.4279A>C, p.Ser1427Arg (NM_000267.4); short protein forms S1427R, S1448R.
Identifiers: ClinVar variation 3878997 (VCV003878997.2).

ClinVar aggregate classification (germline): Uncertain significance (1 of 4 stars; one submission).

Conditions:
Hereditary cancer-predisposing syndrome. Also called: Hereditary Cancer Syndrome; Hereditary neoplastic syndrome; Neoplastic Syndromes, Hereditary; Tumor predisposition. Identifiers: Orphanet 140162, MedGen C0027672, MeSH D009386, MONDO:0015356.
Cardiovascular phenotype. Identifiers: MedGen CN230736.

Submission:

Ambry Genetics
Classification: Uncertain significance for Cardiovascular phenotype; Hereditary cancer-predisposing syndrome. Last evaluated: 2026-08-13. Review status: criteria provided, single submitter. Criteria: Ambry Variant Classification Scheme 2023. Collection method: clinical testing. Allele origin: germline.
Comment: The p.S1427R variant (also known as c.4279A>C), located in coding exon 32 of the NF1 gene, results from an A to C substitution at nucleotide position 4279. The serine at codon 1427 is replaced by arginine, an amino acid with dissimilar properties. This amino acid position is highly conserved in available vertebrate species. In addition, this alteration is predicted to be deleterious by in silico analysis. Based on the available evidence, the clinical significance of this variant remains unclear.